The following is an entry in ClinVar:

NM_000136.3(FANCC):c.521+5del

Gene: FANCC (FA complementation group C; minus strand). Cytogenetic location: 9q22.32.
Variant type: Deletion.
Coding change: c.521+5del on transcript NM_000136.3 (MANE Select); 5 bases into the intron after coding-DNA position 521, one base deleted (G; older notation c.521+5delG).
Molecular consequence: intron variant.
Genome position (GRCh38, 1-based): chr9:95,171,074, C deleted on the plus strand (G on the coding strand, the reverse complement: FANCC is on the minus strand); the first of 2 consecutive C bases (chr9:95,171,074-95,171,075); deleting either gives the same sequence. VCF-style (leftmost placement, unchanged base first): chr9-95171073-AC-A. GRCh37 (hg19) VCF-style: chr9-97933355-AC-A.
Other names: c.521+5del (NM_001243743.2, NM_001243744.2); c.521+5delG (NM_000136.2).
Identifiers: ClinVar variation 1051209 (VCV001051209.8), dbSNP rs2135578132, ClinGen allele CA2499220024.

ClinVar aggregate classification (germline): Uncertain significance. Review status: criteria provided, multiple submitters, no conflicts (2 of 4 stars). 2 submissions from 2 submitters: Uncertain significance (2). Last evaluated 2023-07-05.

Conditions:
Hereditary cancer-predisposing syndrome. Also called: Tumor predisposition; Hereditary neoplastic syndrome; Hereditary Cancer Syndrome; Neoplastic Syndromes, Hereditary. Identifiers: Orphanet 140162, MedGen C0027672, MeSH D009386, MONDO:0015356.
Fanconi anemia (FA). Also called: Fanconi's anemia. Identifiers: Orphanet 84, MedGen C0015625, MeSH D005199, MONDO:0019391.

Submissions (2):

Ambry Genetics
Classification: Uncertain significance for Hereditary cancer-predisposing syndrome. Last evaluated: 2023-07-05. Review status: criteria provided, single submitter. Criteria: Ambry Variant Classification Scheme 2023. Collection method: clinical testing. Allele origin: germline.
Comment: The c.521+5delG intronic variant, located in intron 5 of the FANCC gene, results from a deletion of one nucleotide within intron 5 of the FANCC gene. This nucleotide position is highly conserved in available vertebrate species. In silico splice site analysis predicts that this alteration will weaken the native splice donor site. Since supporting evidence is limited at this time, the clinical significance of this alteration remains unclear.

Labcorp Genetics (formerly Invitae), Labcorp
Classification: Uncertain significance for Fanconi anemia. Last evaluated: 2022-11-16. Review status: criteria provided, single submitter. Criteria: Invitae Variant Classification Sherloc (09022015). Collection method: clinical testing. Allele origin: germline.
Comment: In summary, the available evidence is currently insufficient to determine the role of this variant in disease. Therefore, it has been classified as a Variant of Uncertain Significance. Variants that disrupt the consensus splice site are a relatively common cause of aberrant splicing (PMID: 17576681, 9536098). Algorithms developed to predict the effect of sequence changes on RNA splicing suggest that this variant may disrupt the consensus splice site. ClinVar contains an entry for this variant (Variation ID: 1051209). This variant has not been reported in the literature in individuals affected with FANCC-related conditions. This variant is not present in population databases (gnomAD no frequency). This sequence change falls in intron 6 of the FANCC gene. It does not directly change the encoded amino acid sequence of the FANCC protein. It affects a nucleotide within the consensus splice site.

Literature cited by the submitters: PubMed 17576681 (cited by Labcorp Genetics (formerly Invitae), Labcorp); PubMed 9536098 (cited by Labcorp Genetics (formerly Invitae), Labcorp).